The following is an entry in ClinVar:

Conditions:
Breast-ovarian cancer, familial, susceptibility to, 1 (BROVCA1). Also called: BRCA1 Hereditary Breast and Ovarian Cancer; OVARIAN CANCER, SUSCEPTIBILITY TO. Identifiers: Orphanet 145, MedGen C2676676, MONDO:0011450, OMIM 604370. Disease mechanism: loss of function.

Submission:

Brotman Baty Institute, University of Washington
No classification provided (evidence only). Condition: Breast-ovarian cancer, familial 1. Review status: no classification provided. Collection method: in vitro. Allele origin: not applicable. Functional consequence: functionally_normal.
ClinVar note: "not provided" was previously submitted as the classification for the variant. However, the classification appeared to be based only on an observation of functional data so it was converted to no classification on 2025-07-30.

NM_007294.4(BRCA1):c.4999A>C (p.Lys1667Gln)

Gene: BRCA1 (BRCA1 DNA repair associated; minus strand). Cytogenetic location: 17q21.31.
Variant type: single nucleotide variant.
Coding change: c.4999A>C on transcript NM_007294.4 (MANE Select); coding-DNA position 4999, A replaced by C.
Protein change: p.Lys1667Gln; replaces lysine 1667 with glutamine.
Molecular consequence: missense variant. On other transcripts: non-coding transcript variant (1).
Genome position (GRCh38, 1-based): chr17:43,067,683, T>G on the plus strand (A>C on the coding strand, the complement: BRCA1 is on the minus strand). VCF-style: chr17-43067683-T-G. GRCh37 (hg19) VCF-style: chr17-41219700-T-G.
Other names: c.4786A>C, p.Lys1596Gln (NM_001407571.1, NM_001407894.1, NM_001407908.1 and 12 more transcripts); c.5065A>C, p.Lys1689Gln (NM_001407581.1, NM_001407582.1); c.5062A>C, p.Lys1688Gln (NM_001407583.1, NM_001407585.1, NM_001407587.1 and 1 more transcripts); c.5059A>C, p.Lys1687Gln (NM_001407590.1, NM_001407591.1); c.4999A>C, p.Lys1667Gln (NM_001407593.1, NM_001407594.1, NM_001407596.1 and 8 more transcripts); c.4996A>C, p.Lys1666Gln (NM_001407615.1, NM_001407616.1, NM_001407617.1 and 17 more transcripts); c.4993A>C, p.Lys1665Gln (NM_001407634.1, NM_001407635.1, NM_001407636.1 and 14 more transcripts); c.4918A>C, p.Lys1640Gln (NM_001407656.1, NM_001407657.1, NM_001407658.1); and 70 more; short protein forms K1620Q, K1667Q, K1688Q, K563Q, K1498Q, K1556Q, K1578Q, K1579Q.
Identifiers: ClinVar variation 868101 (VCV000868101.3), dbSNP rs80357204, ClinGen allele CA10591523.
Genomic context (GRCh38, chr17:43,067,683, plus strand): 5'-CATGAGTAGTCTCTTCAGTAATTAGATTAGTTAAAGTGATGTGGTGTTTTCTGGCAAACT[T>G]GTACACGAGCATCTGAAATTAAATCAAATATTCCATTATCATGAGTTACCTCTAGCACAC-3'
Protein context (NP_009225.1, residues 1657-1677): LTPEEFMLVY[Lys1667Gln]FARKHHITLT